The following is an entry in ClinVar:

ClinVar aggregate classification (germline): Uncertain significance. Review status: criteria provided, multiple submitters, no conflicts (2 of 4 stars). 2 submissions from 2 submitters: Uncertain significance (2). Last evaluated 2024-02-09.

Conditions:
Hereditary cancer-predisposing syndrome. Also called: Neoplastic Syndromes, Hereditary; Hereditary Cancer Syndrome; Tumor predisposition; Hereditary neoplastic syndrome. Identifiers: Orphanet 140162, MedGen C0027672, MeSH D009386, MONDO:0015356.
Cardiovascular phenotype. Identifiers: MedGen CN230736.
Neurofibromatosis, type 1 (NF1). Also called: Neurofibromatosis, type I; Peripheral type neurofibromatosis; VON RECKLINGHAUSEN DISEASE; NEUROFIBROMATOSIS, TYPE I, SOMATIC. Identifiers: Orphanet 636, MedGen C0027831, MONDO:0018975, OMIM 162200. Disease mechanism: loss of function.

Submissions (2):

Ambry Genetics
Classification: Uncertain significance for Cardiovascular phenotype; Hereditary cancer-predisposing syndrome. Last evaluated: 2024-02-09. Review status: criteria provided, single submitter. Criteria: Ambry Variant Classification Scheme 2023. Collection method: clinical testing. Allele origin: germline.
Comment: The p.S2180F variant (also known as c.6539C>T), located in coding exon 42 of the NF1 gene, results from a C to T substitution at nucleotide position 6539. The serine at codon 2180 is replaced by phenylalanine, an amino acid with highly dissimilar properties. This amino acid position is highly conserved in available vertebrate species. In addition, this alteration is predicted to be deleterious by in silico analysis. Since supporting evidence is limited at this time, the clinical significance of this alteration remains unclear.

Labcorp Genetics (formerly Invitae), Labcorp
Classification: Uncertain significance for Neurofibromatosis, type 1. Last evaluated: 2022-07-19. Review status: criteria provided, single submitter. Criteria: Invitae Variant Classification Sherloc (09022015). Collection method: clinical testing. Allele origin: germline.
Comment: In summary, the available evidence is currently insufficient to determine the role of this variant in disease. Therefore, it has been classified as a Variant of Uncertain Significance. Advanced modeling of protein sequence and biophysical properties (such as structural, functional, and spatial information, amino acid conservation, physicochemical variation, residue mobility, and thermodynamic stability) performed at Invitae indicates that this missense variant is expected to disrupt NF1 protein function. ClinVar contains an entry for this variant (Variation ID: 1509537). This variant has not been reported in the literature in individuals affected with NF1-related conditions. This variant is not present in population databases (gnomAD no frequency). This sequence change replaces serine, which is neutral and polar, with phenylalanine, which is neutral and non-polar, at codon 2180 of the NF1 protein (p.Ser2180Phe).

NM_001042492.3(NF1):c.6602C>T (p.Ser2201Phe)

Gene: NF1 (neurofibromin 1; plus strand). Cytogenetic location: 17q11.2.
Variant type: single nucleotide variant.
Coding change: c.6602C>T on transcript NM_001042492.3 (MANE Select); coding-DNA position 6602, C replaced by T.
Protein change: p.Ser2201Phe; replaces serine 2201 with phenylalanine.
Molecular consequence: missense variant.
Genome position (GRCh38, 1-based): chr17:31,337,542, C>T. VCF-style: chr17-31337542-C-T. GRCh37 (hg19) VCF-style: chr17-29664560-C-T.
Other names: c.6539C>T, p.Ser2180Phe (NM_000267.4); short protein forms S2201F, S2180F.
Identifiers: ClinVar variation 1509537 (VCV001509537.8), dbSNP rs2151556524, ClinGen allele CA399013378.
Genomic context (GRCh38, chr17:31,337,542, plus strand): 5'-GTTACCGGGACAGGTCATTCTCTCCTGGCTCCTATGAGAGAGAGACTTTTGCTTTGACAT[C>T]CTTGGAAACAGTCACAGAAGCTTTGTTGGAGATCATGGAGGTATAGAAGCCAAAATGATA-3'
Protein context (NP_001035957.1, residues 2191-2211): SYERETFALT[Ser2201Phe]LETVTEALLE